The following is an entry in ClinVar:

ClinVar aggregate classification (germline): Conflicting classifications of pathogenicity. Review status: criteria provided, conflicting classifications (1 of 4 stars). 3 submissions from 3 submitters: Uncertain significance (1); Benign (1). 1 of the submissions does not count toward it. Last evaluated 2023-08-17.

Conditions:
Sweeney-Cox syndrome. Identifiers: MedGen C4540299, MONDO:0060592, OMIM 617746.
TWIST1-related disorder.
Saethre-Chotzen syndrome (SCS). Also called: ACROCEPHALY, SKULL ASYMMETRY, AND MILD SYNDACTYLY; ACS III; CHOTZEN SYNDROME. Identifiers: Orphanet 794, MedGen C0175699, MONDO:0007042, OMIM 101400.
TWIST1-related craniosynostosis (CRS1). Also called: CRANIOSYNOSTOSIS 1. Identifiers: Orphanet 63440, MedGen C4551902, MONDO:0007399, OMIM 123100. Inheritance: Heterogenous inheritance pattern.

Submissions (3):

Labcorp Genetics (formerly Invitae), Labcorp
Classification: Uncertain significance for TWIST1-related craniosynostosis; Saethre-Chotzen syndrome. Last evaluated: 2023-08-17. Review status: criteria provided, single submitter. Criteria: Invitae Variant Classification Sherloc (09022015). Collection method: clinical testing. Allele origin: germline.
Comment: In summary, the available evidence is currently insufficient to determine the role of this variant in disease. Therefore, it has been classified as a Variant of Uncertain Significance. ClinVar contains an entry for this variant (Variation ID: 931278). This variant has not been reported in the literature in individuals affected with TWIST1-related conditions. The frequency data for this variant in the population databases is considered unreliable, as metrics indicate poor data quality at this position in the gnomAD database. This variant, c.256_276del, results in the deletion of 7 amino acid(s) of the TWIST1 protein (p.Gly86_Gly92del), but otherwise preserves the integrity of the reading frame.

Centre for Mendelian Genomics, University Medical Centre Ljubljana
Classification: Benign for Sweeney-Cox syndrome. Last evaluated: 2018-09-25. Review status: criteria provided, single submitter. Criteria: ACMG Guidelines, 2015. Collection method: clinical testing. Allele origin: unknown. Affected: yes.
Comment: This variant was classified as: Benign. The following ACMG criteria were applied in classifying this variant: BS1,BS2.

PreventionGenetics, part of Exact Sciences
Classification: Likely benign for TWIST1-related condition. Last evaluated: 2022-05-26. Review status: no assertion criteria provided. Collection method: clinical testing. Allele origin: germline. Not counted in ClinVar's aggregate classification.
Comment: This variant is classified as likely benign based on ACMG/AMP sequence variant interpretation guidelines (Richards et al. 2015 PMID: 25741868, with internal and published modifications).

NM_000474.4(TWIST1):c.256_276del (p.Gly86_Gly92del)

Gene: TWIST1 (twist family bHLH transcription factor 1; minus strand). Cytogenetic location: 7p21.1.
Variant type: Deletion.
Coding change: c.256_276del on transcript NM_000474.4 (MANE Select); coding-DNA positions 256 to 276, 21 bases deleted (GGCGCGGGCGGCGGCGGCGGC).
Protein change: p.Gly86_Gly92del.
Molecular consequence: inframe deletion. On other transcripts: non-coding transcript variant (1).
Genome position (GRCh38, 1-based): chr7:19,117,046-19,117,066, GCCGCCGCCGCCGCCCGCGCC deleted on the plus strand (GGCGCGGGCGGCGGCGGCGGC on the coding strand, the reverse complement: TWIST1 is on the minus strand); deleting any 21 consecutive bases within chr7:19,117,046-19,117,078 gives the same sequence; the c. name uses the placement nearest the transcript's 3' end. VCF-style (leftmost placement, unchanged base first): chr7-19117045-TGCCGCCGCCGCCGCCCGCGCC-T. GRCh37 (hg19) VCF-style: chr7-19156668-TGCCGCCGCCGCCGCCCGCGCC-T.
Other names: c.256_276del21 (NM_000474.3).
Identifiers: ClinVar variation 931278 (VCV000931278.8), dbSNP rs544465774, ClinGen allele CA4174527.